The following is an entry in ClinVar:

ClinVar aggregate classification (germline): Likely benign. Review status: criteria provided, multiple submitters, no conflicts (2 of 4 stars). 3 submissions from 3 submitters: Likely benign (2). 1 of the submissions does not count toward it. Last evaluated 2026-03-30.

Conditions:
Inborn genetic diseases. Identifiers: MedGen C0950123, MeSH D030342.
ARID1A-related disorder. Also called: ARID1A-related condition.

Allele frequency attached by ClinVar (database versions not stated): gnomAD 0.00001; ESP Exome Variant Server 0.00008; ExAC 0.00002; gnomAD exomes 0.00002 and 0.00003; TOPMed 0.00003.
gnomAD v4.1: 41 of 1,614,078 alleles (0.0025%); highest among the groups gnomAD compares: South Asian, 0.0055%; no homozygotes.

Submissions (3):

Ambry Genetics
Classification: Likely benign for Inborn genetic diseases. Last evaluated: 2026-03-30. Review status: criteria provided, single submitter. Criteria: Ambry Variant Classification Scheme 2023. Collection method: clinical testing. Allele origin: germline.

Labcorp Genetics (formerly Invitae), Labcorp
Classification: Likely benign. Last evaluated: 2025-05-07. Review status: criteria provided, single submitter. Criteria: Invitae Variant Classification Sherloc (09022015). Collection method: clinical testing. Allele origin: germline.

PreventionGenetics, part of Exact Sciences
Classification: Uncertain significance for ARID1A-related condition. Last evaluated: 2024-07-15. Review status: no assertion criteria provided. Collection method: clinical testing. Allele origin: germline. Not counted in ClinVar's aggregate classification.
Comment: The ARID1A c.3407C>T variant is predicted to result in the amino acid substitution p.Ala1136Val. To our knowledge, this variant has not been reported in the literature. This variant is reported in 0.0044% of alleles in individuals of European (Non-Finnish) descent in gnomAD. At this time, the clinical significance of this variant is uncertain due to the absence of conclusive functional and genetic evidence.

NM_006015.6(ARID1A):c.3407C>T (p.Ala1136Val)

Genes: ARID1A (AT-rich interaction domain 1A; plus strand), LOC126805670 (CDK7 strongly-dependent group 2 enhancer GRCh37_chr1:27098665-27099864; plus strand). Cytogenetic location: 1p36.11.
Variant type: single nucleotide variant.
Coding change: c.3407C>T on transcript NM_006015.6 (MANE Select); coding-DNA position 3407, C replaced by T.
Protein change: p.Ala1136Val; replaces alanine 1136 with valine.
Molecular consequence: missense variant.
Genome position (GRCh38, 1-based): chr1:26,772,500, C>T. VCF-style: chr1-26772500-C-T. GRCh37 (hg19) VCF-style: chr1-27098991-C-T.
Other names: c.3407C>T (LRG_875t1); c.3407C>T, p.Ala1136Val (NM_139135.4); short protein forms A1136V.
Identifiers: ClinVar variation 521449 (VCV000521449.14), dbSNP rs375417370, ClinGen allele CA707215.